The following is an entry in ClinVar:

ClinVar aggregate classification (germline): Likely benign. Review status: reviewed by expert panel (3 of 4 stars). 9 submissions from 9 submitters: Likely benign (1). 8 of the submissions do not count toward it. Last evaluated 2017-06-29.

Conditions:
Hereditary cancer-predisposing syndrome. Also called: Hereditary Cancer Syndrome; Neoplastic Syndromes, Hereditary; Tumor predisposition; Hereditary neoplastic syndrome. Identifiers: Orphanet 140162, MedGen C0027672, MeSH D009386, MONDO:0015356.
Breast-ovarian cancer, familial, susceptibility to, 2 (BROVCA2). Also called: BRCA2 Hereditary Breast and Ovarian Cancer. Identifiers: Orphanet 145, MedGen C2675520, MONDO:0012933, OMIM 612555. Disease mechanism: loss of function.
Hereditary breast ovarian cancer syndrome. Also called: Hereditary breast and/or ovarian cancer syndrome; BRCA1- and BRCA2-Associated Hereditary Breast and Ovarian Cancer; Hereditary breast and ovarian cancer syndrome (HBOC); Hereditary breast and ovarian cancer; Hereditary breast and ovarian cancer syndrome; Breast and ovarian cancer. Identifiers: Orphanet 145, MedGen C0677776, MeSH D061325, MONDO:0003582. Disease mechanism: loss of function.

Allele frequency attached by ClinVar (database versions not stated): TOPMed 0.00001; gnomAD 0.00003.
gnomAD v4.1: 8 of 1,614,024 alleles (0.0005%); highest among the groups gnomAD compares: Admixed American, 0.005%; no homozygotes.

Submissions (9):

Evidence-based Network for the Interpretation of Germline Mutant Alleles (ENIGMA)
Classification: Likely benign for Breast-ovarian cancer, familial, susceptibility to, 2. Last evaluated: 2017-06-29. Review status: reviewed by expert panel. Criteria: ENIGMA BRCA1/2 Classification Criteria (2017-06-29). Collection method: curation. Allele origin: germline.
Comment: Synonymous substitution variant, with low bioinformatic likelihood to result in a splicing aberration (Splicing prior probability 0.02).

Labcorp Genetics (formerly Invitae), Labcorp
Classification: Likely benign for Hereditary breast ovarian cancer syndrome. Last evaluated: 2025-09-22. Review status: criteria provided, single submitter. Criteria: Invitae Variant Classification Sherloc (09022015). Collection method: clinical testing. Allele origin: germline. Not counted in ClinVar's aggregate classification.

All of Us Research Program, National Institutes of Health
Classification: Likely benign for Breast-ovarian cancer, familial, susceptibility to, 2. Last evaluated: 2023-05-31. Review status: criteria provided, single submitter. Criteria: ACMG Guidelines, 2015. Collection method: clinical testing. Allele origin: germline. Inheritance: Autosomal dominant inheritance. Observed: 1 variant allele, 1 heterozygote. Not counted in ClinVar's aggregate classification.
Comment: This study involves interpretation of variants in research participants for the purpose of population health screening. Participant phenotype was not available at the time of variant classification. Additional details can be found in publication PMID: 35346344, PMCID: PMC8962531

Quest Diagnostics Nichols Institute San Juan Capistrano
Classification: Likely benign. Last evaluated: 2021-05-05. Review status: criteria provided, single submitter. Criteria: Quest Diagnostics criteria. Collection method: clinical testing. Allele origin: unknown. Not counted in ClinVar's aggregate classification.

Sema4
Classification: Likely benign for Hereditary cancer-predisposing syndrome. Last evaluated: 2021-04-23. Review status: criteria provided, single submitter. Criteria: Sema4 Curation Guidelines. Collection method: curation. Allele origin: germline. Not counted in ClinVar's aggregate classification.

GeneDx
Classification: Likely benign. Last evaluated: 2020-08-25. Review status: criteria provided, single submitter. Criteria: GeneDx Variant Classification Process June 2021. Collection method: clinical testing. Allele origin: germline. Affected: yes. Not counted in ClinVar's aggregate classification.
Comment: This variant is associated with the following publications: (PMID: 21702907)

Women's Health and Genetics/Laboratory Corporation of America, LabCorp
Classification: Likely benign. Last evaluated: 2020-03-23. Review status: criteria provided, single submitter. Criteria: LabCorp Variant Classification Summary - May 2015. Collection method: clinical testing. Allele origin: germline. Not counted in ClinVar's aggregate classification.

Color Diagnostics, LLC DBA Color Health
Classification: Likely benign for Hereditary cancer-predisposing syndrome. Last evaluated: 2017-03-22. Review status: criteria provided, single submitter. Criteria: ACMG Guidelines, 2015. Collection method: clinical testing. Allele origin: germline. Not counted in ClinVar's aggregate classification.

Ambry Genetics
Classification: Likely benign for Hereditary cancer-predisposing syndrome. Last evaluated: 2015-01-04. Review status: criteria provided, single submitter. Criteria: Ambry Variant Classification Scheme 2023. Collection method: clinical testing. Allele origin: germline. Not counted in ClinVar's aggregate classification.

NM_000059.4(BRCA2):c.7506C>G (p.Arg2502=)

Gene: BRCA2 (BRCA2 DNA repair associated; plus strand). Cytogenetic location: 13q13.1.
Variant type: single nucleotide variant.
Coding change: c.7506C>G on transcript NM_000059.4 (MANE Select); coding-DNA position 7506, C replaced by G.
Protein change: p.Arg2502=; no amino-acid change (arginine 2502 retained).
Molecular consequence: synonymous variant.
Genome position (GRCh38, 1-based): chr13:32,356,498, C>G. VCF-style: chr13-32356498-C-G. GRCh37 (hg19) VCF-style: chr13-32930635-C-G.
Identifiers: ClinVar variation 229899 (VCV000229899.26), dbSNP rs140693106, ClinGen allele CA10579741.